The following is an entry in ClinVar:

NM_004787.4(SLIT2):c.1956T>C (p.Thr652=)

Gene: SLIT2 (slit guidance ligand 2; plus strand). Cytogenetic location: 4p15.31.
Variant type: single nucleotide variant.
Coding change: c.1956T>C on transcript NM_004787.4 (MANE Select); coding-DNA position 1956, T replaced by C.
Protein change: p.Thr652=; no amino-acid change (threonine 652 retained).
Molecular consequence: synonymous variant.
Genome position (GRCh38, 1-based): chr4:20,539,564, T>C. VCF-style: chr4-20539564-T-C. GRCh37 (hg19) VCF-style: chr4-20541187-T-C.
Other names: c.1944T>C, p.Thr648= (NM_001289135.3); c.1932T>C, p.Thr644= (NM_001289136.3); c.1956T>C (NM_004787.3).
Identifiers: ClinVar variation 1601160 (VCV001601160.17), dbSNP rs746714075, ClinGen allele CA2871648.

ClinVar aggregate classification (germline): Benign/Likely benign. Review status: criteria provided, multiple submitters, no conflicts (2 of 4 stars). 3 submissions from 3 submitters: Benign (1); Likely benign (1). 1 of the submissions does not count toward it. Last evaluated 2026-07-01.

Conditions:
SLIT2-related disorder. Also called: SLIT2-related condition.

Allele frequency attached by ClinVar (database versions not stated): gnomAD exomes 0.00049 and 0.00010; gnomAD 0.00002; TOPMed 0.00015; ExAC 0.00047.
gnomAD v4.1: 143 of 1,611,218 alleles (0.0089%); highest among the groups gnomAD compares: Admixed American, 0.22%; no homozygotes.

Submissions (3):

CeGaT Center for Human Genetics Tuebingen
Classification: Likely benign. Last evaluated: 2026-07-01. Review status: criteria provided, single submitter. Criteria: CeGaT Center For Human Genetics Tuebingen Variant Classification Criteria Version 2. Collection method: clinical testing. Allele origin: germline. Affected: yes. Observed: 2 variant alleles.
Comment: SLIT2: BP4, BP7

Labcorp Genetics (formerly Invitae), Labcorp
Classification: Benign. Last evaluated: 2026-01-04. Review status: criteria provided, single submitter. Criteria: Invitae Variant Classification Sherloc (09022015). Collection method: clinical testing. Allele origin: germline.

PreventionGenetics, part of Exact Sciences
Classification: Likely benign for SLIT2-related condition. Last evaluated: 2019-02-18. Review status: no assertion criteria provided. Collection method: clinical testing. Allele origin: germline. Not counted in ClinVar's aggregate classification.
Comment: This variant is classified as likely benign based on ACMG/AMP sequence variant interpretation guidelines (Richards et al. 2015 PMID: 25741868, with internal and published modifications).